The following is an entry in ClinVar:

ClinVar aggregate classification (germline): Uncertain significance. Review status: criteria provided, multiple submitters, no conflicts (2 of 4 stars). 2 submissions from 2 submitters: Uncertain significance (2). Last evaluated 2025-11-10.

Conditions:
Hereditary cancer-predisposing syndrome. Also called: Tumor predisposition; Hereditary Cancer Syndrome; Hereditary neoplastic syndrome; Neoplastic Syndromes, Hereditary. Identifiers: Orphanet 140162, MedGen C0027672, MeSH D009386, MONDO:0015356.
Haddad syndrome (OHD). Also called: Ondine-Hirschsprung disease. Identifiers: Orphanet 99803, MedGen C1859049, MONDO:0020493.

Allele frequency attached by ClinVar (database versions not stated): ExAC 0.00001; gnomAD exomes 0.00001.
gnomAD v4.1: 4 of 1,613,942 alleles (0.00025%); highest among the groups gnomAD compares: Admixed American, 0.0017%; no homozygotes.

Submissions (2):

Labcorp Genetics (formerly Invitae), Labcorp
Classification: Uncertain significance for Haddad syndrome. Last evaluated: 2025-11-10. Review status: criteria provided, single submitter. Criteria: Invitae Variant Classification Sherloc (09022015). Collection method: clinical testing. Allele origin: germline.
Comment: This sequence change replaces glycine, which is neutral and non-polar, with arginine, which is basic and polar, at codon 170 of the PHOX2B protein (p.Gly170Arg). This variant is present in population databases (rs775931264, gnomAD 0.003%). This variant has not been reported in the literature in individuals affected with PHOX2B-related conditions. ClinVar contains an entry for this variant (Variation ID: 486036). Invitae Evidence Modeling of protein sequence and biophysical properties (such as structural, functional, and spatial information, amino acid conservation, physicochemical variation, residue mobility, and thermodynamic stability) indicates that this missense variant is not expected to disrupt PHOX2B protein function with a negative predictive value of 80%. In summary, the available evidence is currently insufficient to determine the role of this variant in disease. Therefore, it has been classified as a Variant of Uncertain Significance.

Ambry Genetics
Classification: Uncertain significance for Hereditary cancer-predisposing syndrome. Last evaluated: 2025-04-07. Review status: criteria provided, single submitter. Criteria: Ambry Variant Classification Scheme 2023. Collection method: clinical testing. Allele origin: germline.
Comment: The p.G170R variant (also known as c.508G>C), located in coding exon 3 of the PHOX2B gene, results from a G to C substitution at nucleotide position 508. The glycine at codon 170 is replaced by arginine, an amino acid with dissimilar properties. This amino acid position is well conserved in available vertebrate species. In addition, the in silico prediction for this alteration is inconclusive. Based on the available evidence, the clinical significance of this variant remains unclear.

NM_003924.4(PHOX2B):c.508G>C (p.Gly170Arg)

Gene: PHOX2B (paired like homeobox 2B; minus strand). Cytogenetic location: 4p13.
Variant type: single nucleotide variant.
Coding change: c.508G>C on transcript NM_003924.4 (MANE Select); coding-DNA position 508, G replaced by C.
Protein change: p.Gly170Arg; replaces glycine 170 with arginine.
Molecular consequence: missense variant.
Genome position (GRCh38, 1-based): chr4:41,746,244, C>G on the plus strand (G>C on the coding strand, the complement: PHOX2B is on the minus strand). VCF-style: chr4-41746244-C-G. GRCh37 (hg19) VCF-style: chr4-41748261-C-G.
Other names: short protein forms G170R.
Identifiers: ClinVar variation 486036 (VCV000486036.16), dbSNP rs775931264, ClinGen allele CA2901484.